The following is an entry in ClinVar:

ClinVar aggregate classification (germline): Likely pathogenic (1 of 4 stars; one submission).

Conditions:
Maturity-onset diabetes of the young type 3. Also called: MODY, type III; MODY type 3. Identifiers: Orphanet 552, MedGen C1838100, MeSH C563933, MONDO:0010894, OMIM 600496. Disease mechanism: loss of function.

Submission:

Juno Genomics, Hangzhou Juno Genomics, Inc
Classification: Likely pathogenic for Maturity-onset diabetes of the young type 3. Review status: criteria provided, single submitter. Criteria: ACMG Guidelines, 2015. Collection method: clinical testing. Allele origin: germline.
Comment: Absent from controls (or at extremely low frequency if recessive) in Genome Aggregation Database.;Null variant in a gene where loss of function (LOF) is a known mechanism of disease.

NM_000545.8(HNF1A):c.278del (p.Ser93fs)

Gene: HNF1A (HNF1 homeobox A; plus strand). Cytogenetic location: 12q24.31.
Variant type: Deletion.
Coding change: c.278del on transcript NM_000545.8 (MANE Select); coding-DNA position 278, one base deleted (G; older notation c.278delG).
Protein change: p.Ser93fs; shifts the reading frame from serine 93.
Molecular consequence: frameshift variant.
Genome position (GRCh38, 1-based): chr12:120,979,046, G deleted. VCF-style (leftmost placement, unchanged base first): chr12-120979045-AG-A. GRCh37 (hg19) VCF-style: chr12-121416848-AG-A.
Other names: c.278del, p.Ser93fs (NM_001306179.2, NM_001406915.1); short protein forms S93fs.
Identifiers: ClinVar variation 4533244 (VCV004533244.2).